The following is an entry in ClinVar:

ClinVar aggregate classification (germline): Uncertain significance (1 of 4 stars; one submission).

Conditions:
Hyperphosphatasia with impaired intellectual development syndrome 2. Also called: Hyperphosphatasia with intellectual disability syndrome 2; GLYCOSYLPHOSPHATIDYLINOSITOL BIOSYNTHESIS DEFECT 6. Identifiers: Orphanet 247262, MedGen C3553637, MONDO:0013882, OMIM 614749.

Allele frequency attached by ClinVar (database versions not stated): gnomAD 0.00001; TOPMed 0.00002.

Submission:

Labcorp Genetics (formerly Invitae), Labcorp
Classification: Uncertain significance for Hyperphosphatasia with impaired intellectual development syndrome 2. Last evaluated: 2019-12-27. Review status: criteria provided, single submitter. Criteria: Invitae Variant Classification Sherloc (09022015). Collection method: clinical testing. Allele origin: germline.
Comment: In summary, the available evidence is currently insufficient to determine the role of this variant in disease. Therefore, it has been classified as a Variant of Uncertain Significance. Algorithms developed to predict the effect of missense changes on protein structure and function (SIFT, PolyPhen-2, Align-GVGD) all suggest that this variant is likely to be tolerated, but these predictions have not been confirmed by published functional studies and their clinical significance is uncertain. This sequence change replaces histidine with proline at codon 379 of the PIGO protein (p.His379Pro). The histidine residue is moderately conserved and there is a moderate physicochemical difference between histidine and proline. This variant is not present in population databases (ExAC no frequency). This variant has not been reported in the literature in individuals with PIGO-related conditions.

NM_032634.4(PIGO):c.1136A>C (p.His379Pro)

Gene: PIGO (phosphatidylinositol glycan anchor biosynthesis class O; minus strand). Cytogenetic location: 9p13.3.
Variant type: single nucleotide variant.
Coding change: c.1136A>C on transcript NM_032634.4 (MANE Select); coding-DNA position 1136, A replaced by C.
Protein change: p.His379Pro; replaces histidine 379 with proline.
Molecular consequence: missense variant.
Genome position (GRCh38, 1-based): chr9:35,092,751, T>G on the plus strand (A>C on the coding strand, the complement: PIGO is on the minus strand). VCF-style: chr9-35092751-T-G. GRCh37 (hg19) VCF-style: chr9-35092748-T-G.
Other names: c.1136A>C, p.His379Pro (NM_001201484.2, NM_152850.4); short protein forms H379P.
Identifiers: ClinVar variation 851394 (VCV000851394.9), dbSNP rs1285901155, ClinGen allele CA373322737.